The following is an entry in ClinVar:

ClinVar aggregate classification (germline): Uncertain significance (1 of 4 stars; one submission).

gnomAD v4.1: 8 of 1,613,850 alleles (0.0005%); highest among the groups gnomAD compares: Non-Finnish European, 0.00059%; no homozygotes.

Submission:

GeneDx
Classification: Uncertain significance. Last evaluated: 2026-05-21. Review status: criteria provided, single submitter. Criteria: GeneDx Variant Classification Process June 2021. Collection method: clinical testing. Allele origin: germline.
Comment: In silico analysis supports that this missense variant has a deleterious effect on protein structure/function; Has not been previously published as pathogenic or benign to our knowledge

NM_001070.5(TUBG1):c.370C>T (p.Arg124Trp)

Gene: TUBG1 (tubulin gamma 1; plus strand). Cytogenetic location: 17q21.2.
Variant type: single nucleotide variant.
Coding change: c.370C>T on transcript NM_001070.5 (MANE Select); coding-DNA position 370, C replaced by T.
Protein change: p.Arg124Trp; replaces arginine 124 with tryptophan.
Molecular consequence: missense variant.
Genome position (GRCh38, 1-based): chr17:42,612,114, C>T. VCF-style: chr17-42612114-C-T. GRCh37 (hg19) VCF-style: chr17-40764132-C-T.
Other names: short protein forms R124W.
Identifiers: ClinVar variation 3360369 (VCV003360369.2).